The following is an entry in ClinVar:

ClinVar aggregate classification (germline): Likely pathogenic (1 of 4 stars; one submission).

Conditions:
Cardiovascular phenotype. Identifiers: MedGen CN230736.

Submission:

Ambry Genetics
Classification: Likely pathogenic for Cardiovascular phenotype. Last evaluated: 2022-06-06. Review status: criteria provided, single submitter. Criteria: Ambry Variant Classification Scheme 2023. Collection method: clinical testing. Allele origin: germline.
Comment: The c.16948delC variant, located in coding exon 65 of the TTN gene, results from a deletion of one nucleotide at nucleotide position 16948, causing a translational frameshift with a predicted alternate stop codon (p.L5650Sfs*49). This exon is located in the I-band region of the N2-B isoform of the titin protein and is constitutively expressed in TTN transcripts (percent spliced in or PSI 100%). This variant is considered to be rare based on population cohorts in the Genome Aggregation Database (gnomAD). This alteration is expected to result in loss of function by premature protein truncation or nonsense-mediated mRNA decay. While truncating variants in TTN are present in 1-3% of the general population, truncating variants in the A-band are the most common cause of dilated cardiomyopathy (DCM) (Herman DS et al. N. Engl. J. Med., 2012 Feb;366:619-28; Roberts AM et al. Sci Transl Med, 2015 Jan;7:270ra6). TTN truncating variants encoded in constitutive exons (PSI >90%) have been found to be significantly associated with DCM regardless of their position in titin (Schafer S et al. Nat. Genet., 2017 01;49:46-53). As such, this alteration is classified as likely pathogenic.

NM_001267550.2(TTN):c.44143del (p.Leu14715fs)

Gene: TTN (titin; minus strand). Cytogenetic location: 2q31.2.
Variant type: Deletion.
Coding change: c.44143del on transcript NM_001267550.2 (MANE Select); coding-DNA position 44143, one base deleted (C; older notation c.44143delC).
Protein change: p.Leu14715fs; shifts the reading frame from leucine 14715.
Molecular consequence: frameshift variant.
Genome position (GRCh38, 1-based): chr2:178,630,815, G deleted on the plus strand (C on the coding strand, the reverse complement: TTN is on the minus strand). VCF-style (leftmost placement, unchanged base first): chr2-178630814-AG-A. GRCh37 (hg19) VCF-style: chr2-179495541-AG-A.
Other names: c.39220del, p.Leu13074fs (NM_001256850.1); c.16948del, p.Leu5650fs (NM_003319.4); c.36439del, p.Leu12147fs (NM_133378.4); c.17323del, p.Leu5775fs (NM_133432.3); c.17524del, p.Leu5842fs (NM_133437.4); c.16948delC (NM_003319.4); short protein forms L13074fs, L5842fs, L14715fs, L5775fs, L12147fs, L5650fs.
Identifiers: ClinVar variation 1778191 (VCV001778191.2), dbSNP rs2471401478, ClinGen allele CA2580065097.